The following is an entry in ClinVar:

ClinVar aggregate classification (germline): Uncertain significance (1 of 4 stars; one submission).

Conditions:
Inborn genetic diseases. Identifiers: MedGen C0950123, MeSH D030342.

Submission:

Ambry Genetics
Classification: Uncertain significance for Inborn genetic diseases. Last evaluated: 2025-12-20. Review status: criteria provided, single submitter. Criteria: Ambry Variant Classification Scheme 2023. Collection method: clinical testing. Allele origin: germline.
Comment: The p.S724F variant (also known as c.2171C>T), located in coding exon 1 of the SAMD9 gene, results from a C to T substitution at nucleotide position 2171. The serine at codon 724 is replaced by phenylalanine, an amino acid with highly dissimilar properties. This amino acid position is conserved. In addition, this alteration is predicted to be tolerated by in silico analysis. Based on the available evidence, the clinical significance of this variant remains unclear.

NM_017654.4(SAMD9):c.2171C>T (p.Ser724Phe)

Gene: SAMD9 (sterile alpha motif domain containing 9; minus strand). Cytogenetic location: 7q21.2.
Variant type: single nucleotide variant.
Coding change: c.2171C>T on transcript NM_017654.4 (MANE Select); coding-DNA position 2171, C replaced by T.
Protein change: p.Ser724Phe; replaces serine 724 with phenylalanine.
Molecular consequence: missense variant.
Genome position (GRCh38, 1-based): chr7:93,103,927, G>A on the plus strand (C>T on the coding strand, the complement: SAMD9 is on the minus strand). VCF-style: chr7-93103927-G-A. GRCh37 (hg19) VCF-style: chr7-92733240-G-A.
Other names: c.2171C>T, p.Ser724Phe (NM_001193307.2); short protein forms S724F.
Identifiers: ClinVar variation 4843116 (VCV004843116.1).